The following is an entry in ClinVar:

NM_000268.4(NF2):c.1127G>C (p.Arg376Pro)

Gene: NF2 (NF2, moesin-ezrin-radixin like (MERLIN) tumor suppressor; plus strand). Cytogenetic location: 22q12.2.
Variant type: single nucleotide variant.
Coding change: c.1127G>C on transcript NM_000268.4 (MANE Select); coding-DNA position 1127, G replaced by C.
Protein change: p.Arg376Pro; replaces arginine 376 with proline.
Molecular consequence: missense variant. On other transcripts: non-coding transcript variant (1), intron variant (1).
Genome position (GRCh38, 1-based): chr22:29,673,273, G>C. VCF-style: chr22-29673273-G-C. GRCh37 (hg19) VCF-style: chr22-30069262-G-C.
Other names: c.1013G>C, p.Arg338Pro (NM_001407053.1, NM_001407056.1); c.1004G>C, p.Arg335Pro (NM_001407054.1, NM_001407058.1, NM_181829.3); c.1001G>C, p.Arg334Pro (NM_001407055.1, NM_181828.3); c.992G>C, p.Arg331Pro (NM_001407057.1, NM_001407059.1); c.1127G>C, p.Arg376Pro (NM_001407060.1, NM_001407066.1, NM_016418.5 and 2 more transcripts); c.869G>C, p.Arg290Pro (NM_001407062.1); c.878G>C, p.Arg293Pro (NM_001407063.1, NM_001407064.1, NM_181830.3 and 1 more transcripts); c.593G>C, p.Arg198Pro (NM_001407065.1); and 2 more; short protein forms R299P, R290P, R338P, R198P, R331P, R334P, R335P, R293P.
Identifiers: ClinVar variation 1799419 (VCV001799419.2), dbSNP rs996964764, ClinGen allele CA411147967.

ClinVar aggregate classification (germline): Uncertain significance (1 of 4 stars; one submission).

Conditions:
Hereditary cancer-predisposing syndrome. Also called: Neoplastic Syndromes, Hereditary; Tumor predisposition; Hereditary Cancer Syndrome; Hereditary neoplastic syndrome. Identifiers: Orphanet 140162, MedGen C0027672, MeSH D009386, MONDO:0015356.

gnomAD v4.1: 1 of 1,569,524 alleles (0.000064%); highest among the groups gnomAD compares: Non-Finnish European, 0.000086%; no homozygotes.

Submission:

Ambry Genetics
Classification: Uncertain significance for Hereditary cancer-predisposing syndrome. Last evaluated: 2021-11-08. Review status: criteria provided, single submitter. Criteria: Ambry Variant Classification Scheme 2023. Collection method: clinical testing. Allele origin: germline.
Comment: The p.R376P variant (also known as c.1127G>C), located in coding exon 12 of the NF2 gene, results from a G to C substitution at nucleotide position 1127. The arginine at codon 376 is replaced by proline, an amino acid with dissimilar properties. This amino acid position is highly conserved in available vertebrate species. In addition, this alteration is predicted to be deleterious by in silico analysis. Since supporting evidence is limited at this time, the clinical significance of this alteration remains unclear.